The following is an entry in ClinVar:

ClinVar aggregate classification (germline): Uncertain significance (1 of 4 stars; one submission).

Submission:

Labcorp Genetics (formerly Invitae), Labcorp
Classification: Uncertain significance. Last evaluated: 2026-01-11. Review status: criteria provided, single submitter. Criteria: Invitae Variant Classification Sherloc (09022015). Collection method: clinical testing. Allele origin: germline.
Comment: This sequence change replaces methionine, which is neutral and non-polar, with threonine, which is neutral and polar, at codon 1214 of the CLTC protein (p.Met1214Thr). This variant is not present in population databases (gnomAD no frequency). This variant has not been reported in the literature in individuals affected with CLTC-related conditions. Invitae Evidence Modeling of protein sequence and biophysical properties (such as structural, functional, and spatial information, amino acid conservation, physicochemical variation, residue mobility, and thermodynamic stability) indicates that this missense variant is expected to disrupt CLTC protein function with a positive predictive value of 80%. In summary, the available evidence is currently insufficient to determine the role of this variant in disease. Therefore, it has been classified as a Variant of Uncertain Significance.

NM_004859.4(CLTC):c.3629T>C (p.Met1210Thr)

Gene: CLTC (clathrin heavy chain; plus strand). Cytogenetic location: 17q23.1.
Variant type: single nucleotide variant.
Coding change: c.3629T>C on transcript NM_004859.4 (MANE Select); coding-DNA position 3629, T replaced by C.
Protein change: p.Met1210Thr; replaces methionine 1210 with threonine.
Molecular consequence: missense variant.
Genome position (GRCh38, 1-based): chr17:59,682,657, T>C. VCF-style: chr17-59682657-T-C. GRCh37 (hg19) VCF-style: chr17-57760018-T-C.
Other names: c.3641T>C, p.Met1214Thr (NM_001288653.2); short protein forms M1210T, M1214T.
Identifiers: ClinVar variation 4745507 (VCV004745507.1).
Genomic context (GRCh38, chr17:59,682,657, plus strand): 5'-TTGCTGAATGTGGGTTACCTTTTTTTTTCCAGGTTGGTGACCGTTGTTATGATGAAAAAA[T>C]GTATGATGCTGCTAAGTTGTTGTACAATAATGTTTCCAATTTTGGACGTTTGGCATCTAC-3'
Protein context (NP_004850.1, residues 1200-1220): QVGDRCYDEK[Met1210Thr]YDAAKLLYNN